The following is an entry in ClinVar:

ClinVar aggregate classification (germline): Benign/Likely benign. Review status: criteria provided, multiple submitters, no conflicts (2 of 4 stars). 4 submissions from 4 submitters: Benign (1); Likely benign (2). 1 of the submissions does not count toward it. Last evaluated 2026-01-20.

Conditions:
Nemaline myopathy 9 (NEM9). Identifiers: MedGen C3810384, MONDO:0014326, OMIM 615731.
KLHL41-related disorder. Also called: KLHL41-related condition.

Allele frequency attached by ClinVar (database versions not stated): 1000 Genomes Project 0.00200; 1000 Genomes Project 30x 0.00234; TOPMed 0.00241; ESP Exome Variant Server 0.00254.
gnomAD v4.1: 695 of 1,614,108 alleles (0.043%); highest among the groups gnomAD compares: African/African-American, 0.8%; 2 homozygotes.

Submissions (4):

Labcorp Genetics (formerly Invitae), Labcorp
Classification: Benign for Nemaline myopathy 9. Last evaluated: 2026-01-20. Review status: criteria provided, single submitter. Criteria: Invitae Variant Classification Sherloc (09022015). Collection method: clinical testing. Allele origin: germline.

GeneDx
Classification: Likely benign. Last evaluated: 2021-01-18. Review status: criteria provided, single submitter. Criteria: GeneDx Variant Classification Process June 2021. Collection method: clinical testing. Allele origin: germline. Affected: yes.

Breakthrough Genomics
Classification: Likely benign. Review status: criteria provided, single submitter. Criteria: ACMG Guidelines, 2015. Collection method: not provided. Allele origin: germline. Inheritance: Autosomal recessive inheritance. Affected: yes.

PreventionGenetics, part of Exact Sciences
Classification: Likely benign for KLHL41-related condition. Last evaluated: 2019-06-18. Review status: no assertion criteria provided. Collection method: clinical testing. Allele origin: germline. Not counted in ClinVar's aggregate classification.
Comment: This variant is classified as likely benign based on ACMG/AMP sequence variant interpretation guidelines (Richards et al. 2015 PMID: 25741868, with internal and published modifications).

NM_006063.3(KLHL41):c.519A>G (p.Gln173=)

Gene: KLHL41 (kelch like family member 41; plus strand). Cytogenetic location: 2q31.1.
Variant type: single nucleotide variant.
Coding change: c.519A>G on transcript NM_006063.3 (MANE Select); coding-DNA position 519, A replaced by G.
Protein change: p.Gln173=; no amino-acid change (glutamine 173 retained).
Molecular consequence: synonymous variant.
Genome position (GRCh38, 1-based): chr2:169,510,297, A>G. VCF-style: chr2-169510297-A-G. GRCh37 (hg19) VCF-style: chr2-170366807-A-G.
Identifiers: ClinVar variation 541710 (VCV000541710.18), dbSNP rs144844327, ClinGen allele CA1956517.